The following is an entry in ClinVar:

ClinVar aggregate classification (germline): Uncertain significance (1 of 4 stars; one submission).

Submission:

GeneDx
Classification: Uncertain significance. Last evaluated: 2024-03-27. Review status: criteria provided, single submitter. Criteria: GeneDx Variant Classification Process June 2021. Collection method: clinical testing. Allele origin: germline. Affected: yes.
Comment: Not observed at significant frequency in large population cohorts (gnomAD); In silico analysis supports that this missense variant does not alter protein structure/function; Has not been previously published as pathogenic or benign to our knowledge

NM_032590.5(KDM2B):c.67A>G (p.Lys23Glu)

Genes: KDM2B (lysine demethylase 2B; minus strand), KDM2B-DT (KDM2B divergent transcript; plus strand). Cytogenetic location: 12q24.31.
Variant type: single nucleotide variant.
Coding change: c.67A>G on transcript NM_032590.5 (MANE Select); coding-DNA position 67, A replaced by G.
Protein change: p.Lys23Glu; replaces lysine 23 with glutamic acid.
Molecular consequence: missense variant. On other transcripts: non-coding transcript variant (1).
Genome position (GRCh38, 1-based): chr12:121,580,845, T>C on the plus strand (A>G on the coding strand, the complement: KDM2B is on the minus strand). VCF-style: chr12-121580845-T-C. GRCh37 (hg19) VCF-style: chr12-122018750-T-C.
Other names: short protein forms K23E.
Identifiers: ClinVar variation 3371763 (VCV003371763.1).